The following is an entry in ClinVar:

NM_000255.4(MMUT):c.481G>C (p.Gly161Arg)

Gene: MMUT (methylmalonyl-CoA mutase; minus strand). Cytogenetic location: 6p12.3.
Variant type: single nucleotide variant.
Coding change: c.481G>C on transcript NM_000255.4 (MANE Select); coding-DNA position 481, G replaced by C.
Protein change: p.Gly161Arg; replaces glycine 161 with arginine.
Molecular consequence: missense variant.
Genome position (GRCh38, 1-based): chr6:49,457,963, C>G on the plus strand (G>C on the coding strand, the complement: MMUT is on the minus strand). VCF-style: chr6-49457963-C-G. GRCh37 (hg19) VCF-style: chr6-49425676-C-G.
Other names: short protein forms G161R.
Identifiers: ClinVar variation 4818006 (VCV004818006.1).

ClinVar aggregate classification (germline): Likely pathogenic (1 of 4 stars; one submission).

Conditions:
Methylmalonic aciduria due to complete methylmalonyl-CoA mutase deficiency.

Submission:

Natera, Inc.
Classification: Likely pathogenic for Methylmalonic aciduria due to complete methylmalonyl-CoA mutase deficiency. Last evaluated: 2024-09-16. Review status: criteria provided, single submitter. Criteria: Natera Variant Classification Schema (03/2026). Collection method: clinical testing. Allele origin: germline.
Comment: The c.481G>C variant in MMUT is a missense variant predicted to cause substitution of glycine to arginine at amino acid 161. This variant is rare in the general population with a frequency below the threshold expected for the associated phenotype(s). Another variant at this same site results in an alteration predicted to cause a similar molecular effect has been observed in individual(s) with the associated phenotype. Computational prediction algorithms indicate this variant is likely to affect gene or protein function. Given the available evidence, this variant is classified as Likely Pathogenic.